The following is an entry in ClinVar:

NM_024334.3(TMEM43):c.484G>A (p.Asp162Asn)

Gene: TMEM43 (transmembrane protein 43; plus strand). Cytogenetic location: 3p25.1.
Variant type: single nucleotide variant.
Coding change: c.484G>A on transcript NM_024334.3 (MANE Select); coding-DNA position 484, G replaced by A.
Protein change: p.Asp162Asn; replaces aspartic acid 162 with asparagine.
Molecular consequence: missense variant.
Genome position (GRCh38, 1-based): chr3:14,132,907, G>A. VCF-style: chr3-14132907-G-A. GRCh37 (hg19) VCF-style: chr3-14174407-G-A.
Other names: short protein forms D162N.
Identifiers: ClinVar variation 178140 (VCV000178140.30), dbSNP rs150425166, ClinGen allele CA024703.
Genomic context (GRCh38, chr3:14,132,907, plus strand): 5'-GATTCCTCTCCCTGAGCAGACACTGAATGGAGGTCAGAAATCATCAACAGCAAAAACTTC[G>A]ACCGAGAGATTGGCCACAAAAACCCCAGGTGAGAGCCAGGCCCAAGGCCTGAGTGCAGCT-3'
Protein context (NP_077310.1, residues 152-172): RSEIINSKNF[Asp162Asn]REIGHKNPSA

ClinVar aggregate classification (germline): Conflicting classifications of pathogenicity. Review status: criteria provided, conflicting classifications (1 of 4 stars). 10 submissions from 10 submitters: Uncertain significance (2); Benign (1); Likely benign (5). 2 of the submissions do not count toward it. Last evaluated 2026-07-27.

Conditions:
TMEM43-related disorder. Also called: TMEM43-related condition.
Cardiovascular phenotype. Identifiers: MedGen CN230736.
Cardiomyopathy (CMYO). Also called: Cardiomyopathies. Identifiers: Orphanet 167848, MedGen C0878544, MONDO:0004994, HP:0001638. Inheritance: Various modes of inheritance.
Arrhythmogenic right ventricular dysplasia 5. Also called: Arrhythmogenic Right Ventricular Dysplasia/Cardiomyopathy 5; ARRHYTHMOGENIC RIGHT VENTRICULAR DYSPLASIA, FAMILIAL, 5. Identifiers: MedGen C1858379, MONDO:0011459, OMIM 604400.

Allele frequency attached by ClinVar (database versions not stated): TOPMed 0.00033; gnomAD 0.00035; ESP Exome Variant Server 0.00054.
gnomAD v4.1: 68 of 1,613,758 alleles (0.0042%); highest among the groups gnomAD compares: African/African-American, 0.08%; no homozygotes.

Submissions (10):

PreventionGenetics, part of Exact Sciences
Classification: Likely benign for TMEM43-related condition. Last evaluated: 2026-07-27. Review status: criteria provided, single submitter. Criteria: ACMG Guidelines, 2015. Collection method: clinical testing. Allele origin: germline.
Comment: This variant is classified as likely benign based on ACMG/AMP sequence variant interpretation guidelines (Richards et al. 2015 PMID: 25741868, with internal and published modifications).

Labcorp Genetics (formerly Invitae), Labcorp
Classification: Likely benign for Arrhythmogenic right ventricular dysplasia 5. Last evaluated: 2026-01-28. Review status: criteria provided, single submitter. Criteria: Invitae Variant Classification Sherloc (09022015). Collection method: clinical testing. Allele origin: germline.

GeneDx
Classification: Uncertain significance. Last evaluated: 2024-05-28. Review status: criteria provided, single submitter. Criteria: GeneDx Variant Classification Process June 2021. Collection method: clinical testing. Allele origin: germline. Affected: yes.
Comment: In silico analysis indicates that this missense variant does not alter protein structure/function; Has not been previously published as pathogenic or benign to our knowledge

Women's Health and Genetics/Laboratory Corporation of America, LabCorp
Classification: Likely benign. Last evaluated: 2023-03-20. Review status: criteria provided, single submitter. Criteria: LabCorp Variant Classification Summary - May 2015. Collection method: clinical testing. Allele origin: germline.

Color Diagnostics, LLC DBA Color Health
Classification: Likely benign for Cardiomyopathy. Last evaluated: 2022-11-08. Review status: criteria provided, single submitter. Criteria: ACMG Guidelines, 2015. Collection method: clinical testing. Allele origin: germline.

Ambry Genetics
Classification: Benign for Cardiovascular phenotype. Last evaluated: 2022-02-22. Review status: criteria provided, single submitter. Criteria: Ambry Variant Classification Scheme 2023. Collection method: clinical testing. Allele origin: germline.

Blueprint Genetics
Classification: Likely benign. Last evaluated: 2021-04-06. Review status: criteria provided, single submitter. Criteria: ACMG Guidelines, 2015. Collection method: clinical testing. Allele origin: germline.

Laboratory for Molecular Medicine, Mass General Brigham Personalized Medicine
Classification: Uncertain significance. Last evaluated: 2014-07-14. Review status: criteria provided, single submitter. Criteria: LMM Criteria. Collection method: clinical testing. Allele origin: germline. Observed: 1 variant allele.
Comment: Variant classified as Uncertain Significance - Favor Benign. The Asp162Asn varia nt in TMEM43 has not been previously reported in individuals with cardiomyopathy , but has been identified in 0.2% (7/4406) of African American chromosomes by th e NHLBI Exome Sequencing Project (dbSNP rs150 425166). Computational prediction tools and conservation analysis do not provide strong support for or against an impact to the protein. In summary, while the c linical significance of the Asp162Asn variant is uncertain, its frequency sugges ts that it is more likely to be benign.

Clinical Genetics DNA and cytogenetics Diagnostics Lab, Erasmus MC, Erasmus Medical Center
Classification: Uncertain significance. Review status: no assertion criteria provided. Collection method: clinical testing. Allele origin: germline. Affected: yes. Study: VKGL Data-share Consensus. Not counted in ClinVar's aggregate classification.

Clinical Genetics, Academic Medical Center
Classification: Uncertain significance. Review status: no assertion criteria provided. Collection method: clinical testing. Allele origin: germline. Affected: yes. Study: VKGL Data-share Consensus. Not counted in ClinVar's aggregate classification.